The following continues an entry in ClinVar:

NM_000053.4(ATP7B):c.2605G>A (p.Gly869Arg)

Gene: ATP7B. ClinVar aggregate classification (germline): Pathogenic/Likely pathogenic. Pathogenic (20); Likely pathogenic (8).

Submissions 20 to 31 of 31:

Genome-Nilou Lab
Classification: Pathogenic for Wilson disease. Last evaluated: 2021-08-10. Review status: criteria provided, single submitter. Criteria: ACMG Guidelines, 2015. Collection method: clinical testing. Allele origin: germline. Affected: no.

Fulgent Genetics
Classification: Likely pathogenic for Wilson disease. Last evaluated: 2021-06-30. Review status: criteria provided, single submitter. Criteria: ACMG Guidelines, 2015. Collection method: clinical testing. Allele origin: unknown.
Comment: This variant has been detected in individual(s) who were sent for testing of Renasight - kidney gene panel.

Women's Health and Genetics/Laboratory Corporation of America, LabCorp
Classification: Pathogenic for Wilson disease. Last evaluated: 2021-06-19. Review status: criteria provided, single submitter. Criteria: LabCorp Variant Classification Summary - May 2015. Collection method: clinical testing. Allele origin: germline.
Comment: Variant summary: ATP7B c.2605G>A (p.Gly869Arg) results in a non-conservative amino acid change in the encoded protein sequence. Five of five in-silico tools predict a damaging effect of the variant on protein function. The variant allele was found at a frequency of 0.00069 in 252586 control chromosomes. This frequency is not significantly higher than expected for a pathogenic variant in ATP7B causing Wilson Disease (0.00069 vs 0.0054), allowing no conclusion about variant significance. c.2605G>A has been reported in the literature in in numerous affected individuals without K-F rings in the literature, reported in late-onset patients with mild phenotype, and in some cases, in clinically asymptomatic individuals, although with abnormal biochemical findings (low plasma Cu and CP levels, elevated urinary Cu level). Therefore, this variant represents a mild mutation with a phenotypic outcome significantly dependent on a genetic background (Dong_2016, Ferenci_2007, Gu_2013, Mukherjee_2014). These data indicate that the variant is very likely to be associated with disease. To our knowledge, no experimental evidence demonstrating an impact on protein function has been reported. Eight clinical diagnostic laboratories have submitted clinical-significance assessments for this variant to ClinVar after 2014 without evidence for independent evaluation (Pathogenic/likely pathogenic, n=7; VUS, n=1). Based on the evidence outlined above, the variant was classified as pathogenic.

Genetics and Molecular Pathology, SA Pathology
Classification: Likely pathogenic for Wilson disease. Last evaluated: 2021-04-15. Review status: criteria provided, single submitter. Criteria: ACMG Guidelines, 2015. Collection method: clinical testing. Allele origin: germline. Inheritance: Autosomal recessive inheritance. Affected: no.

Molecular Genetics, Royal Melbourne Hospital
Classification: Pathogenic for Wilson disease. Last evaluated: 2020-11-20. Review status: criteria provided, single submitter. Criteria: ACMG Guidelines, 2015. Collection method: clinical testing. Allele origin: germline.
Comment: This sequence change is predicted to replace glycine with arginine at codon 869 of the ATP7B protein (p.Gly869Arg). The glycine residue is highly conserved (100 vertebrates, UCSC), and is located in the proton ATPase domain. There is a large physicochemical difference between glycine and arginine. The variant is present in a large population cohort at a frequency of 0.07% (rs191312027, 206/280,980 alleles, 0 homozygotes in gnomAD v2.1). It has been identified compound heterozygous with other pathogenic alleles in multiple Wilson disease cases along with reduced serum ceruloplasmin and elevated urinary copper which establishes a biochemical diagnosis (PMID: 15952988, 23843956, 27398169, 30702195 - PM3_VeryStrong, PP4). Multiple lines of computational evidence predict a deleterious effect for the missense substitution (7/7 algorithms - PP3). Based on the classification scheme RMH ACMG Guidelines v1.2.1, this variant is classified as PATHOGENIC. Following criteria are met: PM3_VeryStrong, PP3, PP4.

Eurofins Ntd Llc (ga)
Classification: Pathogenic. Last evaluated: 2015-12-08. Review status: criteria provided, single submitter. Criteria: EGL Classification Definitions 2015. Collection method: clinical testing. Allele origin: germline. Observed: 7 variant alleles, 7 heterozygotes.

HudsonAlpha Institute for Biotechnology
Classification: Likely pathogenic for Wilson disease. Last evaluated: 2015-02-10. Review status: criteria provided, single submitter. Criteria: HA_assertions_20150911. Collection method: research. Allele origin: unknown. Observed: 1 variant allele. Study: CSER-HudsonAlpha.

Genetic Services Laboratory, University of Chicago
Classification: Pathogenic for Wilson disease. Last evaluated: 2013-06-20. Review status: criteria provided, single submitter. Criteria: ACMG Guidelines, 2007. Collection method: clinical testing. Allele origin: germline. Inheritance: Autosomal recessive inheritance. Affected: yes.

Juno Genomics, Hangzhou Juno Genomics, Inc
Classification: Pathogenic for Wilson disease. Review status: criteria provided, single submitter. Criteria: ACMG Guidelines, 2015. Collection method: clinical testing. Allele origin: germline.
Comment: Absent from controls (or at extremely low frequency if recessive) in Genome Aggregation Database.;Multiple lines of computational evidence support a deleterious effect on the gene or gene product.;For recessive disorders, detected in trans with a pathogenic variant.;Patient's phenotype or family history is highly specific for a disease with a single genetic etiology.

Zotz-Klimas Genetics Lab, MVZ Zotz Klimas
Classification: Pathogenic for Wilson disease. Last evaluated: 2023-10-09. Review status: no assertion criteria provided. Collection method: clinical testing. Allele origin: germline. Affected: yes. Not counted in ClinVar's aggregate classification.

Genome Diagnostics Laboratory, University Medical Center Utrecht
Classification: Uncertain significance. Review status: no assertion criteria provided. Collection method: clinical testing. Allele origin: germline. Affected: yes. Study: VKGL Data-share Consensus. Not counted in ClinVar's aggregate classification.

Laboratory of Diagnostic Genome Analysis, Leiden University Medical Center (LUMC)
Classification: Uncertain significance. Review status: no assertion criteria provided. Collection method: clinical testing. Allele origin: germline. Affected: yes. Study: VKGL Data-share Consensus. Not counted in ClinVar's aggregate classification.

Literature cited by the submitters: PubMed 11093740 (cited by 6 submitters); PubMed 15952988 (cited by 11 submitters); PubMed 23843956 (cited by 10 submitters); PubMed 27398169 (cited by 11 submitters); PubMed 30702195 (cited by 8 submitters); PubMed 23219664 (cited by 5 submitters); PubMed 30232804 (cited by Natera, Inc.); PubMed 17949296 (cited by Mayo Clinic Laboratories, Mayo Clinic); PubMed 22692182 (cited by 3 submitters); PubMed 27022412 (cited by 4 submitters); PubMed 32248359 (cited by 4 submitters); PubMed 34381985 (cited by Mayo Clinic Laboratories, Mayo Clinic); PubMed 34470610 (cited by Mayo Clinic Laboratories, Mayo Clinic); PubMed 34620762 (cited by Mayo Clinic Laboratories, Mayo Clinic); PubMed 35470480 (cited by Mayo Clinic Laboratories, Mayo Clinic); PubMed 35637795 (cited by Mayo Clinic Laboratories, Mayo Clinic); PubMed 9311736 (cited by 3 submitters); PubMed 17433323 (cited by 3 submitters); PubMed 23518715 (cited by 3 submitters); PubMed 24094725 (cited by 4 submitters); PubMed 31980526 (cited by 3 submitters); PubMed 33159804 (cited by All of Us Research Program, National Institutes of Health and Color Diagnostics, LLC DBA Color Health); PubMed 33258288 (cited by 3 submitters); PubMed 35245129 (cited by All of Us Research Program, National Institutes of Health and Color Diagnostics, LLC DBA Color Health); PubMed 30275481 (cited by AiLife Diagnostics); PubMed 16922724 (cited by Dasa); PubMed 11021476 (cited by Dasa); PubMed 21350584 (cited by Dasa); PubMed 23158531 (cited by Dasa); PubMed 18371106 (cited by Women's Health and Genetics/Laboratory Corporation of America, LabCorp); PubMed 30254379 (cited by Women's Health and Genetics/Laboratory Corporation of America, LabCorp).